The following is an entry in ClinVar:

ClinVar aggregate classification (germline): Likely benign. Review status: criteria provided, multiple submitters, no conflicts (2 of 4 stars). 2 submissions from 2 submitters: Likely benign (2). Last evaluated 2024-11-21.

Allele frequency attached by ClinVar (database versions not stated): gnomAD 0.00007; TOPMed 0.00009.
gnomAD v4.1: 60 of 1,614,062 alleles (0.0037%); highest among the groups gnomAD compares: Middle Eastern, 0.049%; no homozygotes.

Submissions (2):

Labcorp Genetics (formerly Invitae), Labcorp
Classification: Likely benign. Last evaluated: 2024-11-21. Review status: criteria provided, single submitter. Criteria: Invitae Variant Classification Sherloc (09022015). Collection method: clinical testing. Allele origin: germline.

CeGaT Center for Human Genetics Tuebingen
Classification: Likely benign. Last evaluated: 2024-06-01. Review status: criteria provided, single submitter. Criteria: CeGaT Center For Human Genetics Tuebingen Variant Classification Criteria Version 2. Collection method: clinical testing. Allele origin: germline. Affected: yes. Observed: 1 variant allele.
Comment: ZBTB18: BP4, BP7

NM_205768.3(ZBTB18):c.1242C>T (p.Ala414=)

Gene: ZBTB18 (zinc finger and BTB domain containing 18; plus strand). Cytogenetic location: 1q44.
Variant type: single nucleotide variant.
Coding change: c.1242C>T on transcript NM_205768.3 (MANE Select); coding-DNA position 1242, C replaced by T.
Protein change: p.Ala414=; no amino-acid change (alanine 414 retained).
Molecular consequence: synonymous variant.
Genome position (GRCh38, 1-based): chr1:244,055,016, C>T. VCF-style: chr1-244055016-C-T. GRCh37 (hg19) VCF-style: chr1-244218318-C-T.
Other names: c.1215C>T, p.Ala405= (NM_001278196.2, NM_006352.5).
Identifiers: ClinVar variation 2188918 (VCV002188918.22), dbSNP rs201294296, ClinGen allele CA41081540.
Genomic context (GRCh38, chr1:244,055,016, plus strand): 5'-GCAGATCCACCTGAGCACGCACTTCCGCGAGCAGGACGGCATCCGCAGCAAGCCCGCCGC[C>T]GATGTCAACGTGCCCACGTGCTCGCTGTGTGGGAAGACTTTCTCTTGCATGTACACCCTC-3'
Protein context (NP_991331.1, residues 404-424): EQDGIRSKPA[Ala414=]DVNVPTCSLC